The following is an entry in ClinVar:

NM_012431.3(SEMA3E):c.532T>G (p.Phe178Val)

Gene: SEMA3E (semaphorin 3E; minus strand). Cytogenetic location: 7q21.11.
Variant type: single nucleotide variant.
Coding change: c.532T>G on transcript NM_012431.3 (MANE Select); coding-DNA position 532, T replaced by G.
Protein change: p.Phe178Val; replaces phenylalanine 178 with valine.
Molecular consequence: missense variant.
Genome position (GRCh38, 1-based): chr7:83,418,408, A>C on the plus strand (T>G on the coding strand, the complement: SEMA3E is on the minus strand). VCF-style: chr7-83418408-A-C. GRCh37 (hg19) VCF-style: chr7-83047724-A-C.
Other names: c.352T>G, p.Phe118Val (NM_001178129.2); c.532T>G (NM_012431.2); short protein forms F178V, F118V.
Identifiers: ClinVar variation 2049211 (VCV002049211.5), dbSNP rs772553266, ClinGen allele CA4322319.

ClinVar aggregate classification (germline): Uncertain significance. Review status: criteria provided, multiple submitters, no conflicts (2 of 4 stars). 2 submissions from 2 submitters: Uncertain significance (2). Last evaluated 2026-05-05.

Conditions:
SEMA3E-related disorder. Also called: SEMA3E-related condition.
CHARGE syndrome (CHARGE). Also called: Hittner Hirsch Kreh syndrome; CHARGE ASSOCIATION--COLOBOMA, HEART ANOMALY, CHOANAL ATRESIA, RETARDATION, GENITAL AND EAR ANOMALIES; Coloboma, heart anomaly, choanal atresia, retardation, genital and ear anomalies; CHARGE association; Hall-Hittner syndrome. Identifiers: Orphanet 138, MedGen C0265354, MONDO:0008965.

Allele frequency attached by ClinVar (database versions not stated): ExAC 0.00001; TOPMed 0.00002; gnomAD 0.00003.
gnomAD v4.1: 47 of 1,610,796 alleles (0.0029%); highest among the groups gnomAD compares: Non-Finnish European, 0.0039%; no homozygotes.

Submissions (2):

PreventionGenetics, part of Exact Sciences
Classification: Uncertain significance for SEMA3E-related condition. Last evaluated: 2026-05-05. Review status: criteria provided, single submitter. Criteria: ACMG Guidelines, 2015. Collection method: clinical testing. Allele origin: germline.
Comment: The SEMA3E c.532T>G variant is predicted to result in the amino acid substitution p.Phe178Val. To our knowledge, this variant has not been reported in the literature. This variant is reported in 0.0039% of alleles in individuals of European (Non-Finnish) descent in gnomAD. At this time, the clinical significance of this variant is uncertain due to the absence of conclusive functional and genetic evidence.

Labcorp Genetics (formerly Invitae), Labcorp
Classification: Uncertain significance for CHARGE syndrome. Last evaluated: 2025-10-23. Review status: criteria provided, single submitter. Criteria: Invitae Variant Classification Sherloc (09022015). Collection method: clinical testing. Allele origin: germline.
Comment: This sequence change replaces phenylalanine, which is neutral and non-polar, with valine, which is neutral and non-polar, at codon 178 of the SEMA3E protein (p.Phe178Val). This variant is present in population databases (rs772553266, gnomAD 0.004%). This variant has not been reported in the literature in individuals affected with SEMA3E-related conditions. ClinVar contains an entry for this variant (Variation ID: 2049211). Invitae Evidence Modeling of protein sequence and biophysical properties (such as structural, functional, and spatial information, amino acid conservation, physicochemical variation, residue mobility, and thermodynamic stability) indicates that this missense variant is not expected to disrupt SEMA3E protein function with a negative predictive value of 80%. In summary, the available evidence is currently insufficient to determine the role of this variant in disease. Therefore, it has been classified as a Variant of Uncertain Significance.